The following is an entry in ClinVar:

ClinVar aggregate classification (germline): Pathogenic/Likely pathogenic. Review status: criteria provided, multiple submitters, no conflicts (2 of 4 stars). 3 submissions from 3 submitters: Pathogenic (1); Likely pathogenic (2). Last evaluated 2026-02-11.

Conditions:
Retinitis pigmentosa 12 (RP12). Also called: RP WITH OR WITHOUT PPRPE; RP WITH OR WITHOUT PRESERVED PARAARTERIOLE RETINAL PIGMENT EPITHELIUM; RETINITIS PIGMENTOSA WITH OR WITHOUT PARAARTERIOLAR PRESERVATION OF RETINAL PIGMENT EPITHELIUM. Identifiers: Orphanet 791, MedGen C1838647, MONDO:0010818, OMIM 600105.
Leber congenital amaurosis 8 (LCA8). Identifiers: Orphanet 65, MedGen C3151202, MONDO:0013453, OMIM 613835.
CRB1-related disorder. Also called: CRB1-related condition; CRB1-related disorders.

Submissions (3):

GeneDx
Classification: Likely pathogenic. Last evaluated: 2026-02-11. Review status: criteria provided, single submitter. Criteria: GeneDx Variant Classification Process June 2021. Collection method: clinical testing. Allele origin: germline.
Comment: Reported previously in an unaffected carrier; however, no further information was provided (PMID: 31964843); Not observed at significant frequency in large population cohorts (gnomAD); Frameshift variant predicted to result in abnormal protein length as the last 111 amino acids are replaced with 44 different amino acids, and other similar variants have been reported; This variant is associated with the following publications: (PMID: 31964843)

Labcorp Genetics (formerly Invitae), Labcorp
Classification: Pathogenic for Leber congenital amaurosis 8; Retinitis pigmentosa 12. Last evaluated: 2025-12-01. Review status: criteria provided, single submitter. Criteria: Invitae Variant Classification Sherloc (09022015). Collection method: clinical testing. Allele origin: germline.
Comment: This sequence change creates a premature translational stop signal (p.Lys1296Argfs*45) in the CRB1 gene. While this is not anticipated to result in nonsense mediated decay, it is expected to disrupt the last 111 amino acid(s) of the CRB1 protein. This variant is present in population databases (rs765536137, gnomAD 0.007%). This variant has not been reported in the literature in individuals affected with CRB1-related conditions. ClinVar contains an entry for this variant (Variation ID: 1073128). This variant disrupts a region of the CRB1 protein in which other variant(s) (p.Arg1390*) have been determined to be pathogenic (PMID: 2906847, 23379534). This suggests that this is a clinically significant region of the protein, and that variants that disrupt it are likely to be disease-causing. For these reasons, this variant has been classified as Pathogenic.

Blueprint Genetics
Classification: Likely pathogenic for CRB1-related disorders. Last evaluated: 2020-10-30. Review status: criteria provided, single submitter. Criteria: ACMG Guidelines, 2015. Collection method: clinical testing. Allele origin: germline. Affected: yes. Observed: 2 variant alleles.

Literature cited by the submitters: PubMed 2906847 (cited by Labcorp Genetics (formerly Invitae), Labcorp); PubMed 23379534 (cited by Labcorp Genetics (formerly Invitae), Labcorp).

NM_201253.3(CRB1):c.3887del (p.Lys1296fs)

Gene: CRB1 (crumbs cell polarity complex component 1; plus strand). Cytogenetic location: 1q31.3.
Variant type: Deletion.
Coding change: c.3887del on transcript NM_201253.3 (MANE Select); coding-DNA position 3887, one base deleted (A; older notation c.3887delA).
Protein change: p.Lys1296fs; shifts the reading frame from lysine 1296.
Molecular consequence: frameshift variant. On other transcripts: non-coding transcript variant (2).
Genome position (GRCh38, 1-based): chr1:197,442,174, A deleted; the last of 4 consecutive A bases (chr1:197,442,171-197,442,174); deleting any one gives the same sequence. VCF-style (leftmost placement, unchanged base first): chr1-197442170-GA-G. GRCh37 (hg19) VCF-style: chr1-197411300-GA-G.
Other names: c.3887del (NM_201253.2); c.3551del, p.Lys1184fs (NM_001193640.2); c.3815del, p.Lys1272fs (NM_001257965.2); c.2279del, p.Lys760fs (NM_001257966.2); short protein forms K1184fs, K1272fs, K1296fs, K760fs.
Identifiers: ClinVar variation 1073128 (VCV001073128.8), dbSNP rs765536137, ClinGen allele CA1312442.